The following is an entry in ClinVar:

ClinVar aggregate classification (germline): Uncertain significance. Review status: criteria provided, multiple submitters, no conflicts (2 of 4 stars). 2 submissions from 2 submitters: Uncertain significance (2). Last evaluated 2025-05-14.

Allele frequency attached by ClinVar (database versions not stated): gnomAD exomes 0.00001; ExAC 0.00002; TOPMed 0.00002.
gnomAD v4.1: 15 of 1,613,458 alleles (0.00093%); highest among the groups gnomAD compares: East Asian, 0.011%; no homozygotes.

Submissions (2):

Ambry Genetics
Classification: Uncertain significance. Last evaluated: 2025-05-14. Review status: criteria provided, single submitter. Criteria: Ambry Variant Classification Scheme 2023. Collection method: clinical testing. Allele origin: germline.

Labcorp Genetics (formerly Invitae), Labcorp
Classification: Uncertain significance. Last evaluated: 2023-10-25. Review status: criteria provided, single submitter. Criteria: Invitae Variant Classification Sherloc (09022015). Collection method: clinical testing. Allele origin: germline.
Comment: This sequence change replaces glutamic acid, which is acidic and polar, with lysine, which is basic and polar, at codon 536 of the GCKR protein (p.Glu536Lys). This variant is present in population databases (rs772997882, gnomAD 0.01%). This variant has not been reported in the literature in individuals affected with GCKR-related conditions. ClinVar contains an entry for this variant (Variation ID: 2408434). Advanced modeling of protein sequence and biophysical properties (such as structural, functional, and spatial information, amino acid conservation, physicochemical variation, residue mobility, and thermodynamic stability) performed at Invitae indicates that this missense variant is not expected to disrupt GCKR protein function with a negative predictive value of 80%. In summary, the available evidence is currently insufficient to determine the role of this variant in disease. Therefore, it has been classified as a Variant of Uncertain Significance.

NM_001486.4(GCKR):c.1606G>A (p.Glu536Lys)

Gene: GCKR (glucokinase regulator; plus strand). Cytogenetic location: 2p23.3.
Variant type: single nucleotide variant.
Coding change: c.1606G>A on transcript NM_001486.4 (MANE Select); coding-DNA position 1606, G replaced by A.
Protein change: p.Glu536Lys; replaces glutamic acid 536 with lysine.
Molecular consequence: missense variant.
Genome position (GRCh38, 1-based): chr2:27,522,493, G>A. VCF-style: chr2-27522493-G-A. GRCh37 (hg19) VCF-style: chr2-27745360-G-A.
Other names: short protein forms E536K.
Identifiers: ClinVar variation 2408434 (VCV002408434.6), dbSNP rs772997882, ClinGen allele CA1582055.